The following is an entry in ClinVar:

NM_002691.4(POLD1):c.338G>T (p.Gly113Val)

Gene: POLD1 (DNA polymerase delta 1, catalytic subunit; plus strand). Cytogenetic location: 19q13.33.
Variant type: single nucleotide variant.
Coding change: c.338G>T on transcript NM_002691.4 (MANE Select); coding-DNA position 338, G replaced by T.
Protein change: p.Gly113Val; replaces glycine 113 with valine.
Molecular consequence: missense variant. On other transcripts: non-coding transcript variant (1).
Genome position (GRCh38, 1-based): chr19:50,401,799, G>T. VCF-style: chr19-50401799-G-T. GRCh37 (hg19) VCF-style: chr19-50905056-G-T.
Other names: c.338G>T, p.Gly113Val (NM_001256849.1, NM_001308632.1); c.338G>T (NM_002691.2); short protein forms G113V.
Identifiers: ClinVar variation 863688 (VCV000863688.11), dbSNP rs1489903051, ClinGen allele CA406972146.

ClinVar aggregate classification (germline): Uncertain significance. Review status: criteria provided, multiple submitters, no conflicts (2 of 4 stars). 4 submissions from 4 submitters: Uncertain significance (4). Last evaluated 2026-01-14.

Conditions:
POLD1-related polyposis and colorectal cancer syndrome (CRCS10). Also called: Colorectal cancer 10; COLORECTAL CANCER, SUSCEPTIBILITY TO, ON CHROMOSOME 19q; Colorectal cancer, susceptibility to, 10. Identifiers: Orphanet 220460, MedGen C2675481, MONDO:0012953, OMIM 612591.
Hereditary cancer-predisposing syndrome. Also called: Tumor predisposition; Hereditary Cancer Syndrome; Hereditary neoplastic syndrome; Neoplastic Syndromes, Hereditary. Identifiers: Orphanet 140162, MedGen C0027672, MeSH D009386, MONDO:0015356.

Allele frequency attached by ClinVar (database versions not stated): gnomAD exomes 0.00001.

Submissions (4):

Labcorp Genetics (formerly Invitae), Labcorp
Classification: Uncertain significance for POLD1-related polyposis and colorectal cancer syndrome. Last evaluated: 2026-01-14. Review status: criteria provided, single submitter. Criteria: Invitae Variant Classification Sherloc (09022015). Collection method: clinical testing. Allele origin: germline.
Comment: This sequence change replaces glycine, which is neutral and non-polar, with valine, which is neutral and non-polar, at codon 113 of the POLD1 protein (p.Gly113Val). This variant is present in population databases (no rsID available, gnomAD 0.006%). This variant has not been reported in the literature in individuals affected with POLD1-related conditions. ClinVar contains an entry for this variant (Variation ID: 863688). An algorithm developed to predict the effect of missense changes on protein structure and function (PolyPhen-2) suggests that this variant is likely to be disruptive. In summary, the available evidence is currently insufficient to determine the role of this variant in disease. Therefore, it has been classified as a Variant of Uncertain Significance.

Ambry Genetics
Classification: Uncertain significance for Hereditary cancer-predisposing syndrome. Last evaluated: 2024-12-24. Review status: criteria provided, single submitter. Criteria: Ambry Variant Classification Scheme 2023. Collection method: clinical testing. Allele origin: germline.
Comment: The p.G113V variant (also known as c.338G>T), located in coding exon 3 of the POLD1 gene, results from a G to T substitution at nucleotide position 338. The glycine at codon 113 is replaced by valine, an amino acid with dissimilar properties. This amino acid position is not well conserved in available vertebrate species. In addition, this alteration is predicted to be tolerated by in silico analysis. Based on the available evidence, the clinical significance of this variant remains unclear.

GeneDx
Classification: Uncertain significance. Last evaluated: 2023-08-29. Review status: criteria provided, single submitter. Criteria: GeneDx Variant Classification Process June 2021. Collection method: clinical testing. Allele origin: germline. Affected: yes.
Comment: Not observed at significant frequency in large population cohorts (gnomAD); In silico analysis supports that this missense variant has a deleterious effect on protein structure/function; Has not been previously published as pathogenic or benign to our knowledge; This variant is associated with the following publications: (PMID: 29056344)

Sema4
Classification: Uncertain significance for Hereditary cancer-predisposing syndrome. Last evaluated: 2021-05-18. Review status: criteria provided, single submitter. Criteria: Sema4 Curation Guidelines. Collection method: curation. Allele origin: germline.
Comment: The POLD1 c.338G>T (p.G113V) variant has been reported as a somatic variant in an analysis of hypermutation in >81,000 tumor samples (PMID: 29056344). This variant was observed in 2/34516 chromosomes in the Latino subpopulation according to the Genome Aggregation Database (PMID: 32461654). This variant has been reported in ClinVar (Variation ID: 863688). In silico tools suggest the impact of the variant on protein function is inconclusive, though these predictions have not been confirmed by functional studies. The overall evidence is insufficient to meet ACMG/AMP criteria for classifying it as benign or pathogenic. In summary, the clinical significance of this variant is currently uncertain.

Literature cited by the submitters: PubMed 29056344 (cited by Sema4).